The following is an entry in ClinVar:

ClinVar aggregate classification (germline): Uncertain significance (1 of 4 stars; one submission).

Conditions:
Retinitis pigmentosa 59 (RP59). Identifiers: Orphanet 791, MedGen C3151227, MONDO:0013468, OMIM 613861.

Allele frequency attached by ClinVar (database versions not stated): gnomAD exomes below 0.00001.
gnomAD v4.1: 4 of 1,614,192 alleles (0.00025%); highest among the groups gnomAD compares: Middle Eastern, 0.05%; no homozygotes.

Submission:

Labcorp Genetics (formerly Invitae), Labcorp
Classification: Uncertain significance for Retinitis pigmentosa 59. Last evaluated: 2022-08-16. Review status: criteria provided, single submitter. Criteria: Invitae Variant Classification Sherloc (09022015). Collection method: clinical testing. Allele origin: germline.
Comment: This sequence change replaces serine, which is neutral and polar, with isoleucine, which is neutral and non-polar, at codon 290 of the DHDDS protein (p.Ser290Ile). This variant is not present in population databases (gnomAD no frequency). This variant has not been reported in the literature in individuals affected with DHDDS-related conditions. ClinVar contains an entry for this variant (Variation ID: 1354659). Algorithms developed to predict the effect of missense changes on protein structure and function (SIFT, PolyPhen-2, Align-GVGD) all suggest that this variant is likely to be tolerated. In summary, the available evidence is currently insufficient to determine the role of this variant in disease. Therefore, it has been classified as a Variant of Uncertain Significance.

NM_205861.3(DHDDS):c.866G>T (p.Ser289Ile)

Gene: DHDDS (dehydrodolichyl diphosphate synthase subunit; plus strand). Cytogenetic location: 1p36.11.
Variant type: single nucleotide variant.
Coding change: c.866G>T on transcript NM_205861.3 (MANE Select); coding-DNA position 866, G replaced by T.
Protein change: p.Ser289Ile; replaces serine 289 with isoleucine.
Molecular consequence: missense variant.
Genome position (GRCh38, 1-based): chr1:26,468,995, G>T. VCF-style: chr1-26468995-G-T. GRCh37 (hg19) VCF-style: chr1-26795486-G-T.
Other names: c.764G>T, p.Ser255Ile (NM_001243564.2); c.749G>T, p.Ser250Ile (NM_001243565.2); c.587G>T, p.Ser196Ile (NM_001319959.2); c.869G>T, p.Ser290Ile (NM_024887.4); short protein forms S289I, S196I, S255I, S250I, S290I.
Identifiers: ClinVar variation 1354659 (VCV001354659.3), dbSNP rs1193686226, ClinGen allele CA339145718.
Genomic context (GRCh38, chr1:26,468,995, plus strand): 5'-AGCTGGAGAGGGACCAGGCTACAGTGACAGAGCAGCTGCTGCGAGAGGGGCTCCAAGCCA[G>T]TGGGGACGCCCAGCTCCGAAGGACACGCTTGCACAAACTCTCGGCCAGACGGGAAGAGCG-3'
Protein context (NP_995583.1, residues 279-299): EQLLREGLQA[Ser289Ile]GDAQLRRTRL